The following is an entry in ClinVar:

ClinVar aggregate classification (germline): Pathogenic. Review status: reviewed by expert panel (3 of 4 stars). 2 submissions from 2 submitters: Pathogenic (1). 1 of the submissions does not count toward it. Last evaluated 2017-12-15.

Conditions:
Breast-ovarian cancer, familial, susceptibility to, 1 (BROVCA1). Also called: OVARIAN CANCER, SUSCEPTIBILITY TO; BRCA1 Hereditary Breast and Ovarian Cancer. Identifiers: Orphanet 145, MedGen C2676676, MONDO:0011450, OMIM 604370. Disease mechanism: loss of function.
Familial cancer of breast. Also called: Hereditary breast cancer; hereditary breast carcinoma; BREAST CANCER, FAMILIAL. Identifiers: Orphanet 227535, MedGen C0346153, MONDO:0016419, OMIM 114480. Disease mechanism: loss of function.

Submissions (2):

Evidence-based Network for the Interpretation of Germline Mutant Alleles (ENIGMA)
Classification: Pathogenic for Breast-ovarian cancer, familial, susceptibility to, 1. Last evaluated: 2017-12-15. Review status: reviewed by expert panel. Criteria: ENIGMA BRCA1/2 Classification Criteria (2017-06-29). Collection method: curation. Allele origin: germline. Study: ENIGMA.
Comment: Variant allele predicted to encode a truncated non-functional protein.

ClinVar Staff, National Center for Biotechnology Information (NCBI)
No classification provided. Condition: Familial cancer of breast. Review status: no classification provided. Collection method: literature only. Allele origin: germline. Affected: yes. Not counted in ClinVar's aggregate classification.

Literature cited by the submitters: PubMed 18703817 (cited by ClinVar Staff, National Center for Biotechnology Information (NCBI)).

NM_007294.4(BRCA1):c.2812_2813del (p.Pro938fs)

Gene: BRCA1 (BRCA1 DNA repair associated; minus strand). Cytogenetic location: 17q21.31.
Variant type: Deletion.
Coding change: c.2812_2813del on transcript NM_007294.4 (MANE Select); coding-DNA positions 2812 to 2813, 2 bases deleted (CC; older notation c.2812_2813delCC).
Protein change: p.Pro938fs; shifts the reading frame from proline 938.
Molecular consequence: frameshift variant. On other transcripts: intron variant (137).
Genome position (GRCh38, 1-based): chr17:43,092,718-43,092,719, GG deleted on the plus strand (CC on the coding strand, the reverse complement: BRCA1 is on the minus strand). VCF-style (leftmost placement, unchanged base first): chr17-43092717-TGG-T. GRCh37 (hg19) VCF-style: chr17-41244734-TGG-T.
Other names: c.2599_2600del, p.Pro867fs (NM_001407571.1, NM_001407853.1, NM_001407894.1 and 9 more transcripts); c.2812_2813del, p.Pro938fs (NM_001407581.1, NM_001407582.1, NM_001407583.1 and 30 more transcripts); c.2809_2810del, p.Pro937fs (NM_001407587.1, NM_001407590.1, NM_001407591.1 and 22 more transcripts); c.2803_2804del, p.Pro935fs (NM_001407646.1, NM_001407647.1); c.2689_2690del, p.Pro897fs (NM_001407648.1, NM_001407664.1, NM_001407665.1 and 19 more transcripts); c.2686_2687del, p.Pro896fs (NM_001407649.1, NM_001407670.1, NM_001407671.1 and 11 more transcripts); c.2734_2735del, p.Pro912fs (NM_001407653.1, NM_001407654.1, NM_001407655.1 and 4 more transcripts); c.2731_2732del, p.Pro911fs (NM_001407659.1, NM_001407660.1, NM_001407661.1 and 1 more transcripts); and 41 more; short protein forms P891fs, P938fs, P826fs, P849fs, P896fs, P912fs, P937fs, P642fs.
Identifiers: ClinVar variation 54686 (VCV000054686.3), dbSNP rs730882056, ClinGen allele CA001843.